The following is an entry in ClinVar:

ClinVar aggregate classification (germline): Likely pathogenic. Review status: criteria provided, multiple submitters, no conflicts (2 of 4 stars). 2 submissions from 2 submitters: Likely pathogenic (2). Last evaluated 2026-07-01.

Conditions:
Glycogen storage disease, type II (IOPD). Also called: CARDIOMEGALIA GLYCOGENICA DIFFUSA; GLYCOGENOSIS, GENERALIZED, CARDIAC FORM; GSD II; Glycogen storage disease type 2; Acid maltase deficiency disease; Aglucosidase alfa. Identifiers: Orphanet 365, MedGen C0017921, MONDO:0009290, OMIM 232300.

Submissions (2):

Genomenon, Inc
Classification: Likely pathogenic for Glycogen storage disease, type II. Last evaluated: 2026-07-01. Review status: criteria provided, single submitter. Criteria: Genomenon Sequence Variant Interpretation Standards - Updated. Collection method: curation. Allele origin: germline. Affected: yes.
Comment: GAA p.Gln743Pro (c.2228A>C) is a missense variant that changes the amino acid at codon 743 from Glutamine to Proline. This variant has been observed in at least one proband with a GAA-related disorder in the compound heterozygous and/or homozygous state (PMID:38715621;36137614;36147041). It is absent or not present at a significant frequency in gnomAD. In silico models predict that this variant is possibly or probably damaging. In conclusion, we classify GAA p.Gln743Pro (c.2228A>C) as a likely pathogenic variant.

Myriad Genetics, Inc.
Classification: Likely pathogenic for Glycogen storage disease, type II. Last evaluated: 2025-10-23. Review status: criteria provided, single submitter. Criteria: Myriad Autosomal Dominant, Autosomal Recessive and X-Linked Classification Criteria (2023). Collection method: clinical testing. Allele origin: unknown.
Comment: NM_000152.3(GAA):c.2228A>C(Q743P) is a missense variant classified as likely pathogenic in the context of Pompe disease. Q743P has been observed in cases with relevant disease (PMID: 34353347, 36147041, 38715621). Relevant functional assessments of this variant are not available in the literature. Q743P has not been observed in referenced population frequency databases. In summary, NM_000152.3(GAA):c.2228A>C(Q743P) is a missense variant that has been observed more frequently in cases with the relevant disease than in healthy populations. Please note: this variant was assessed in the context of healthy population screening.

Literature cited by the submitters: PubMed 38715621 (cited by Genomenon, Inc and Myriad Genetics, Inc.); PubMed 36137614 (cited by Genomenon, Inc); PubMed 36147041 (cited by Genomenon, Inc and Myriad Genetics, Inc.); PubMed 34353347 (cited by Myriad Genetics, Inc.).

NM_000152.5(GAA):c.2228A>C (p.Gln743Pro)

Gene: GAA (alpha glucosidase; plus strand). Cytogenetic location: 17q25.3.
Variant type: single nucleotide variant.
Coding change: c.2228A>C on transcript NM_000152.5 (MANE Select); coding-DNA position 2228, A replaced by C.
Protein change: p.Gln743Pro; replaces glutamine 743 with proline.
Molecular consequence: missense variant.
Genome position (GRCh38, 1-based): chr17:80,117,006, A>C. VCF-style: chr17-80117006-A-C. GRCh37 (hg19) VCF-style: chr17-78090805-A-C.
Other names: c.2228A>C, p.Gln743Pro (NM_001079803.3, NM_001079804.3, NM_001406741.1 and 1 more transcripts); short protein forms Q743P.
Identifiers: ClinVar variation 4876657 (VCV004876657.2).